The following is an entry in ClinVar:

NM_000256.3(MYBPC3):c.2540A>C (p.Tyr847Ser)

Gene: MYBPC3 (myosin binding protein C3; minus strand). Cytogenetic location: 11p11.2.
Variant type: single nucleotide variant.
Coding change: c.2540A>C on transcript NM_000256.3 (MANE Select); coding-DNA position 2540, A replaced by C.
Protein change: p.Tyr847Ser; replaces tyrosine 847 with serine.
Molecular consequence: missense variant.
Genome position (GRCh38, 1-based): chr11:47,337,453, T>G on the plus strand (A>C on the coding strand, the complement: MYBPC3 is on the minus strand). VCF-style: chr11-47337453-T-G. GRCh37 (hg19) VCF-style: chr11-47359004-T-G.
Other names: c.2540A>C, p.Tyr847Ser (LRG_386t1); short protein forms Y847S.
Identifiers: ClinVar variation 219400 (VCV000219400.7), dbSNP rs864622071, ClinGen allele CA348478.
Genomic context (GRCh38, chr11:47,337,453, plus strand): 5'-ATAGGCATGAAGGGCTGGGAGGCAGGGCTGGGCCTGGACATGCCGATGGCGTTGACCGCG[T>G]AGACGCGCATCTCGTACACCACGCCCTCGATCATGCGCCGCGCTTCATGACTCAGCTCCT-3'
Protein context (NP_000247.2, residues 837-857): IEGVVYEMRV[Tyr847Ser]AVNAIGMSRP

ClinVar aggregate classification (germline): Uncertain significance (1 of 4 stars; one submission).

Conditions:
Hypertrophic cardiomyopathy. Also called: HYPERTROPHIC MYOCARDIOPATHY. Identifiers: Orphanet 217569, MedGen C0007194, MeSH D002312, MONDO:0005045, HP:0001639.

Submission:

Labcorp Genetics (formerly Invitae), Labcorp
Classification: Uncertain significance for Hypertrophic cardiomyopathy. Last evaluated: 2015-07-02. Review status: criteria provided, single submitter. Criteria: Invitae Variant Classification Sherloc (09022015). Collection method: clinical testing. Allele origin: germline.
Comment: In summary, this is a novel missense change with uncertain impact on protein function. It has been classified as a Variant of Uncertain Significance. Algorithms developed to predict the effect of missense changes on protein structure and function (SIFT, PolyPhen-2, Align-GVGD) all suggest that this variant is likely to be disruptive, but these predictions have not been confirmed by published functional studies. This variant has not been published in the literature and is not present in population databases. A missense change affecting the same amino acid, p.Tyr847His, was found in patient with hypertrophic cardiomyopathy (PMID: 20021930). This patient also was compound heterozygous for a second variant in MYBPC3, p.Gly523Arg, so the clinical significance of this observation is uncertain. This sequence change replaces tyrosine with serine at codon 847 of the MYBPC3 protein (p.Tyr847Ser). The tyrosine residue is highly conserved and there is a large physicochemical difference between tyrosine and serine.

Literature cited by the submitters: PubMed 20021930.